The following is an entry in ClinVar:

ClinVar aggregate classification (germline): Conflicting classifications of pathogenicity. Review status: criteria provided, conflicting classifications (1 of 4 stars). 3 submissions from 3 submitters: Uncertain significance (1); Benign (1); Likely benign (1). Last evaluated 2026-02-02.

Conditions:
Hereditary cancer-predisposing syndrome. Also called: Neoplastic Syndromes, Hereditary; Tumor predisposition; Hereditary neoplastic syndrome; Hereditary Cancer Syndrome. Identifiers: Orphanet 140162, MedGen C0027672, MeSH D009386, MONDO:0015356.
Familial cancer of breast. Also called: BREAST CANCER, FAMILIAL; Hereditary breast cancer; hereditary breast carcinoma. Identifiers: Orphanet 227535, MedGen C0346153, MONDO:0016419, OMIM 114480. Disease mechanism: loss of function.

Submissions (3):

Dasa
Classification: Uncertain significance. Last evaluated: 2026-02-02. Review status: criteria provided, single submitter. Criteria: DASA Assertion Criteria. Collection method: clinical testing. Allele origin: germline.
Comment: NM_024675.4(PALB2):c.162A>G (p.Glu54=) is a synonymous variant predicted not to alter the encoded amino acid sequence. This variant is rare in population databases. The currently available literature and clinical evidence are not sufficient to establish a definitive association between this variant and the reported condition. Therefore, this variant is classified as a variant of uncertain significance.

Myriad Genetics, Inc.
Classification: Benign for Familial cancer of breast. Last evaluated: 2025-01-09. Review status: criteria provided, single submitter. Criteria: Myriad Autosomal Dominant, Autosomal Recessive and X-Linked Classification Criteria (2023). Collection method: clinical testing. Allele origin: unknown.
Comment: This variant is considered benign. This variant is a silent/synonymous amino acid change and it is not expected to impact splicing.

Color Diagnostics, LLC DBA Color Health
Classification: Likely benign for Hereditary cancer-predisposing syndrome. Last evaluated: 2021-12-14. Review status: criteria provided, single submitter. Criteria: ACMG Guidelines, 2015. Collection method: clinical testing. Allele origin: germline.

NM_024675.4(PALB2):c.162A>G (p.Glu54=)

Gene: PALB2 (partner and localizer of BRCA2; minus strand). Cytogenetic location: 16p12.2.
Variant type: single nucleotide variant.
Coding change: c.162A>G on transcript NM_024675.4 (MANE Select); coding-DNA position 162, A replaced by G.
Protein change: p.Glu54=; no amino-acid change (glutamic acid 54 retained).
Molecular consequence: synonymous variant. On other transcripts: 5 prime UTR variant (8), intron variant (3).
Genome position (GRCh38, 1-based): chr16:23,637,899, T>C on the plus strand (A>G on the coding strand, the complement: PALB2 is on the minus strand). VCF-style: chr16-23637899-T-C. GRCh37 (hg19) VCF-style: chr16-23649220-T-C.
Other names: c.102A>G, p.Glu34= (NM_001407296.1); c.162A>G, p.Glu54= (NM_001407297.1, NM_001407298.1, NM_001407299.1 and 3 more transcripts); c.-724A>G (NM_001407304.1, NM_001407305.1, NM_001407306.1 and 5 more transcripts); c.48+3211A>G (NM_001407314.1); c.-105+3211A>G (NM_001407313.1, NM_001407312.1).
Identifiers: ClinVar variation 2774024 (VCV002774024.5), dbSNP rs2142456617, ClinGen allele CA494167614.